The following is an entry in ClinVar:

NM_001942.4(DSG1):c.655C>T (p.Arg219Ter)

Gene: DSG1 (desmoglein 1; plus strand). Cytogenetic location: 18q12.1.
Variant type: single nucleotide variant.
Coding change: c.655C>T on transcript NM_001942.4 (MANE Select); coding-DNA position 655, C replaced by T.
Protein change: p.Arg219Ter; replaces arginine 219 with a stop codon.
Molecular consequence: nonsense.
Genome position (GRCh38, 1-based): chr18:31,331,838, C>T. VCF-style: chr18-31331838-C-T. GRCh37 (hg19) VCF-style: chr18-28911801-C-T.
Other names: short protein forms R219*.
Identifiers: ClinVar variation 2574335 (VCV002574335.3), dbSNP rs145081747, ClinGen allele CA8925892.
Genomic context (GRCh38, chr18:31,331,838, plus strand): 5'-ATAAGACAAGAACCTTCAGATTCACCAATGTTTATTATCAACAGAAATACTGGAGAAATT[C>T]GAACGATGAATAATTTTCTAGACAGAGAGGTAATTCTTTTTCTTTAAGTGGGTTTTTGGT-3'

ClinVar aggregate classification (germline): Pathogenic. Review status: criteria provided, multiple submitters, no conflicts (2 of 4 stars). 3 submissions from 3 submitters: Pathogenic (3). Last evaluated 2025-10-05.

Conditions:
Severe dermatitis-multiple allergies-metabolic wasting syndrome. Also called: ERYTHRODERMA, CONGENITAL, WITH PALMOPLANTAR KERATODERMA, HYPOTRICHOSIS, RECURRENT INFECTIONS, AND MULTIPLE FOOD ALLERGIES; SEVERE DERMATITIS, MULTIPLE ALLERGIES, AND METABOLIC WASTING SYNDROME; SAM SYNDROME; Erythroderma, congenital, with palmoplantar keratoderma, hypotrichosis, and hyper-ige. Identifiers: Orphanet 369992, MedGen C3809719, MONDO:0014218, OMIM 615508.
Palmoplantar keratoderma i, striate, focal, or diffuse. Also called: KERATOSIS PALMOPLANTARIS STRIATA I; Keratosis Palmoplantaris Striata I, AD; KERATODERMA, PALMOPLANTAR, STRIATE FORM I; STRIATE PALMOPLANTAR KERATODERMA I; PALMOPLANTAR KERATODERMA I, STRIATE OR DIFFUSE; PALMOPLANTAR KERATODERMA I, FOCAL. Identifiers: Orphanet 369999, Orphanet 370002, MedGen C2931122, MONDO:0007859, OMIM 148700.

Allele frequency attached by ClinVar (database versions not stated): TOPMed below 0.00001; ExAC 0.00001; gnomAD 0.00001; ESP Exome Variant Server 0.00008.

Submissions (3):

Labcorp Genetics (formerly Invitae), Labcorp
Classification: Pathogenic. Last evaluated: 2025-10-05. Review status: criteria provided, single submitter. Criteria: Invitae Variant Classification Sherloc (09022015). Collection method: clinical testing. Allele origin: germline.
Comment: This sequence change creates a premature translational stop signal (p.Arg219*) in the DSG1 gene. It is expected to result in an absent or disrupted protein product. Loss-of-function variants in DSG1 are known to be pathogenic (PMID: 19018793, 23974871, 27534273, 27632246, 29604126). This variant is not present in population databases (gnomAD no frequency). This premature translational stop signal has been observed in individual(s) with hyperkeratosis. (PMID: 19018793). ClinVar contains an entry for this variant (Variation ID: 2574335). For these reasons, this variant has been classified as Pathogenic.

Fulgent Genetics
Classification: Pathogenic for Palmoplantar keratoderma i, striate, focal, or diffuse; Severe dermatitis-multiple allergies-metabolic wasting syndrome. Last evaluated: 2024-01-05. Review status: criteria provided, single submitter. Criteria: ACMG Guidelines, 2015. Collection method: clinical testing. Allele origin: germline.

GeneDx
Classification: Pathogenic. Last evaluated: 2023-07-27. Review status: criteria provided, single submitter. Criteria: GeneDx Variant Classification Process June 2021. Collection method: clinical testing. Allele origin: germline. Affected: yes.
Comment: Nonsense variant predicted to result in protein truncation or nonsense mediated decay in a gene for which loss-of-function is a known mechanism of disease; Not observed at significant frequency in large population cohorts (gnomAD); This variant is associated with the following publications: (PMID: 19018793, 27786350, 25525159)

Literature cited by the submitters: PubMed 19018793 (cited by Labcorp Genetics (formerly Invitae), Labcorp); PubMed 23974871 (cited by Labcorp Genetics (formerly Invitae), Labcorp); PubMed 27534273 (cited by Labcorp Genetics (formerly Invitae), Labcorp); PubMed 27632246 (cited by Labcorp Genetics (formerly Invitae), Labcorp); PubMed 29604126 (cited by Labcorp Genetics (formerly Invitae), Labcorp).